The following is an entry in ClinVar:

NM_173660.5(DOK7):c.1318G>A (p.Ala440Thr)

Gene: DOK7 (docking protein 7; plus strand). Cytogenetic location: 4p16.3.
Variant type: single nucleotide variant.
Coding change: c.1318G>A on transcript NM_173660.5 (MANE Select); coding-DNA position 1318, G replaced by A.
Protein change: p.Ala440Thr; replaces alanine 440 with threonine.
Molecular consequence: missense variant. On other transcripts: 3 prime UTR variant (1).
Genome position (GRCh38, 1-based): chr4:3,493,304, G>A. VCF-style: chr4-3493304-G-A. GRCh37 (hg19) VCF-style: chr4-3495031-G-A.
Other names: c.*539G>A (NM_001164673.2); c.388G>A, p.Ala130Thr (NM_001256896.2); c.1318G>A, p.Ala440Thr (NM_001301071.2); c.886G>A, p.Ala296Thr (NM_001363811.2); short protein forms A130T, A296T, A440T.
Identifiers: ClinVar variation 970520 (VCV000970520.11), dbSNP rs753026831, ClinGen allele CA2829462.

ClinVar aggregate classification (germline): Conflicting classifications of pathogenicity. Review status: criteria provided, conflicting classifications (1 of 4 stars). 3 submissions from 3 submitters: Uncertain significance (2); Likely benign (1). Last evaluated 2024-09-20.

Conditions:
Congenital myasthenic syndrome 10. Also called: Myasthenia, limb-girdle, familial. Identifiers: Orphanet 590, MedGen C1850792, MONDO:0009690, OMIM 254300.
Fetal akinesia deformation sequence 3. Identifiers: MedGen C4760599, MONDO:0100103, OMIM 618389.
Fetal akinesia deformation sequence 1 (FADS1). Also called: Fetal akinesia sequence; Pena-Shokeir syndrome type I. Identifiers: Orphanet 994, MedGen C1276035, MONDO:0100101, OMIM 208150, HP:0001989.

Allele frequency attached by ClinVar (database versions not stated): gnomAD 0.00004 and 0.00005; TOPMed 0.00006; ExAC 0.00007.
gnomAD v4.1: 91 of 1,606,156 alleles (0.0057%); highest among the groups gnomAD compares: South Asian, 0.027%; no homozygotes.

Submissions (3):

3billion
Classification: Likely benign for Fetal akinesia deformation sequence 3; Congenital myasthenic syndrome 10. Last evaluated: 2024-09-20. Review status: criteria provided, single submitter. Criteria: ACMG Guidelines, 2015. Collection method: clinical testing. Allele origin: germline. Affected: no.
Comment: The homozygous variant was found in patients diagnosed with another variant in a different gene, with no symptoms related to the gene containing the homozygous variant.

Labcorp Genetics (formerly Invitae), Labcorp
Classification: Uncertain significance for Congenital myasthenic syndrome 10; Fetal akinesia deformation sequence 1. Last evaluated: 2022-10-17. Review status: criteria provided, single submitter. Criteria: Invitae Variant Classification Sherloc (09022015). Collection method: clinical testing. Allele origin: germline.
Comment: This sequence change replaces alanine, which is neutral and non-polar, with threonine, which is neutral and polar, at codon 440 of the DOK7 protein (p.Ala440Thr). This variant is present in population databases (rs753026831, gnomAD 0.02%). This missense change has been observed in individual(s) with clinical features of DOK7-related conditions (PMID: 21520333). ClinVar contains an entry for this variant (Variation ID: 970520). Algorithms developed to predict the effect of missense changes on protein structure and function output the following: SIFT: "Tolerated"; PolyPhen-2: "Benign"; Align-GVGD: "Class C0". The threonine amino acid residue is found in multiple mammalian species, which suggests that this missense change does not adversely affect protein function. In summary, the available evidence is currently insufficient to determine the role of this variant in disease. Therefore, it has been classified as a Variant of Uncertain Significance.

Revvity Omics, Revvity
Classification: Uncertain significance. Last evaluated: 2019-07-29. Review status: criteria provided, single submitter. Criteria: ACMG Guidelines, 2015. Collection method: clinical testing. Allele origin: germline.

Literature cited by the submitters: PubMed 21520333 (cited by Labcorp Genetics (formerly Invitae), Labcorp).